The following is an entry in ClinVar:

NM_015267.4(CUX2):c.3769A>C (p.Thr1257Pro)

Gene: CUX2 (cut like homeobox 2; plus strand). Cytogenetic location: 12q24.12.
Variant type: single nucleotide variant.
Coding change: c.3769A>C on transcript NM_015267.4 (MANE Select); coding-DNA position 3769, A replaced by C.
Protein change: p.Thr1257Pro; replaces threonine 1257 with proline.
Molecular consequence: missense variant.
Genome position (GRCh38, 1-based): chr12:111,347,633, A>C. VCF-style: chr12-111347633-A-C. GRCh37 (hg19) VCF-style: chr12-111785437-A-C.
Other names: c.3583A>C, p.Thr1195Pro (NM_001370598.1); short protein forms T1257P, T1195P.
Identifiers: ClinVar variation 2068964 (VCV002068964.1), dbSNP rs1888865646, ClinGen allele CA386721349.

ClinVar aggregate classification (germline): Uncertain significance (1 of 4 stars; one submission).

Submission:

Labcorp Genetics (formerly Invitae), Labcorp
Classification: Uncertain significance. Last evaluated: 2022-03-15. Review status: criteria provided, single submitter. Criteria: Invitae Variant Classification Sherloc (09022015). Collection method: clinical testing. Allele origin: germline.
Comment: This variant has not been reported in the literature in individuals affected with CUX2-related conditions. Algorithms developed to predict the effect of missense changes on protein structure and function are either unavailable or do not agree on the potential impact of this missense change (SIFT: "Not Available"; PolyPhen-2: "Benign"; Align-GVGD: "Not Available"). In summary, the available evidence is currently insufficient to determine the role of this variant in disease. Therefore, it has been classified as a Variant of Uncertain Significance.